The following is an entry in ClinVar:

NM_001005361.3(DNM2):c.2057A>G (p.Asn686Ser)

Gene: DNM2 (dynamin 2; plus strand). Cytogenetic location: 19p13.2.
Variant type: single nucleotide variant.
Coding change: c.2057A>G on transcript NM_001005361.3 (MANE Select); coding-DNA position 2057, A replaced by G.
Protein change: p.Asn686Ser; replaces asparagine 686 with serine.
Molecular consequence: missense variant.
Genome position (GRCh38, 1-based): chr19:10,825,220, A>G. VCF-style: chr19-10825220-A-G. GRCh37 (hg19) VCF-style: chr19-10935896-A-G.
Other names: c.2057A>G, p.Asn686Ser (NM_001005360.3, NM_001190716.2); c.2045A>G, p.Asn682Ser (NM_001005362.3, NM_004945.4); short protein forms N682S, N686S.
Identifiers: ClinVar variation 1256589 (VCV001256589.9), dbSNP rs2073102227, ClinGen allele CA404041811.

ClinVar aggregate classification (germline): Uncertain significance. Review status: criteria provided, multiple submitters, no conflicts (2 of 4 stars). 2 submissions from 2 submitters: Uncertain significance (2). Last evaluated 2025-08-18.

Conditions:
Charcot-Marie-Tooth disease dominant intermediate B (CMTDIB). Also called: CHARCOT-MARIE-TOOTH NEUROPATHY, DOMINANT INTERMEDIATE B; Charcot-Marie-Tooth disease dominant intermediate 1; CMT DI1; Charcot-Marie-Tooth disease dominant intermediate I. Identifiers: Orphanet 100044, Orphanet 228179, MedGen C1847902, MONDO:0011674, OMIM 606482.

Allele frequency attached by ClinVar (database versions not stated): TOPMed below 0.00001; gnomAD exomes 0.00001.
gnomAD v4.1: 5 of 1,612,970 alleles (0.00031%); highest among the groups gnomAD compares: South Asian, 0.0011%; no homozygotes.

Submissions (2):

Labcorp Genetics (formerly Invitae), Labcorp
Classification: Uncertain significance for Charcot-Marie-Tooth disease dominant intermediate B. Last evaluated: 2025-08-18. Review status: criteria provided, single submitter. Criteria: Invitae Variant Classification Sherloc (09022015). Collection method: clinical testing. Allele origin: germline.
Comment: This sequence change replaces asparagine, which is neutral and polar, with serine, which is neutral and polar, at codon 686 of the DNM2 protein (p.Asn686Ser). This variant is not present in population databases (gnomAD no frequency). This variant has not been reported in the literature in individuals affected with DNM2-related conditions. ClinVar contains an entry for this variant (Variation ID: 1256589). Invitae Evidence Modeling of protein sequence and biophysical properties (such as structural, functional, and spatial information, amino acid conservation, physicochemical variation, residue mobility, and thermodynamic stability) indicates that this missense variant is not expected to disrupt DNM2 protein function with a negative predictive value of 95%. In summary, the available evidence is currently insufficient to determine the role of this variant in disease. Therefore, it has been classified as a Variant of Uncertain Significance.

Athena Diagnostics
Classification: Uncertain significance. Last evaluated: 2020-11-03. Review status: criteria provided, single submitter. Criteria: Athena Diagnostics criteria. Collection method: clinical testing. Allele origin: unknown.